The following is an entry in ClinVar:

ClinVar aggregate classification (germline): Conflicting classifications of pathogenicity. Review status: criteria provided, conflicting classifications (1 of 4 stars). 7 submissions from 7 submitters: Uncertain significance (6); Likely benign (1). Last evaluated 2025-08-01.

Conditions:
Autosomal recessive limb-girdle muscular dystrophy type 2J (LGMDR10). Also called: MUSCULAR DYSTROPHY, LIMB-GIRDLE, AUTOSOMAL RECESSIVE 10; Limb-girdle muscular dystrophy, type 2J. Identifiers: Orphanet 140922, MedGen C1837342, MONDO:0012127, OMIM 608807.
Dilated cardiomyopathy 1G (CMD1G). Identifiers: Orphanet 154, MedGen C1858763, MONDO:0011400, OMIM 604145.
Hypertrophic cardiomyopathy 9. Also called: Familial hypertrophic cardiomyopathy 9. Identifiers: MedGen C1861065, MONDO:0013412, OMIM 613765.
Tibial muscular dystrophy (TMD). Also called: Udd Distal Myopathy – Tibial Muscular Dystrophy; Tibial muscular dystrophy, tardive; UDD MYOPATHY. Identifiers: Orphanet 609, MedGen C1838244, MONDO:0010870, OMIM 600334.
Early-onset myopathy with fatal cardiomyopathy (CMYO5). Also called: Salih Myopathy; CONGENITAL MYOPATHY 5 WITH CARDIOMYOPATHY. Identifiers: Orphanet 289377, MedGen C2673677, MONDO:0012714, OMIM 611705. Disease mechanism: loss of function.
Myopathy, myofibrillar, 9, with early respiratory failure (MFM9). Also called: MYOPATHY, PROXIMAL, WITH EARLY RESPIRATORY MUSCLE INVOLVEMENT; Myopathy, distal, with early respiratory failure, autosomal dominant; Hereditary myopathy with early respiratory failure; EDSTROM MYOPATHY. Identifiers: Orphanet 178464, Orphanet 34521, MedGen C1863599, MONDO:0011362, OMIM 603689.
Cardiomyopathy (CMYO). Also called: Cardiomyopathies. Identifiers: Orphanet 167848, MedGen C0878544, MONDO:0004994, HP:0001638. Inheritance: Various modes of inheritance.

Allele frequency attached by ClinVar (database versions not stated): gnomAD exomes 0.00001 and 0.00004; ExAC 0.00002; gnomAD 0.00006; TOPMed 0.00010.
gnomAD v4.1: 30 of 1,604,190 alleles (0.0019%); highest among the groups gnomAD compares: Admixed American, 0.022%; no homozygotes.

Submissions (7):

Mayo Clinic Laboratories, Mayo Clinic
Classification: Uncertain significance. Last evaluated: 2025-08-01. Review status: criteria provided, single submitter. Criteria: ACMG Guidelines, 2015. Collection method: clinical testing. Allele origin: germline. Observed: 1 variant allele.
Comment: PP3

Molecular Diagnostic Laboratory for Inherited Cardiovascular Disease, Montreal Heart Institute
Classification: Likely benign. Last evaluated: 2025-04-09. Review status: criteria provided, single submitter. Criteria: ACMG Guidelines, 2015. Collection method: clinical testing. Allele origin: germline. Affected: no.
Comment: BP1

Revvity Omics, Revvity
Classification: Uncertain significance. Last evaluated: 2024-04-16. Review status: criteria provided, single submitter. Criteria: ACMG Guidelines, 2015. Collection method: clinical testing. Allele origin: germline.

Fulgent Genetics
Classification: Uncertain significance for Tibial muscular dystrophy; Myopathy, myofibrillar, 9, with early respiratory failure; Dilated cardiomyopathy 1G; Autosomal recessive limb-girdle muscular dystrophy type 2J; Early-onset myopathy with fatal cardiomyopathy; Hypertrophic cardiomyopathy 9. Last evaluated: 2021-09-10. Review status: criteria provided, single submitter. Criteria: ACMG Guidelines, 2015. Collection method: clinical testing. Allele origin: unknown.

CHEO Genetics Diagnostic Laboratory, Children's Hospital of Eastern Ontario
Classification: Uncertain significance for Cardiomyopathy. Last evaluated: 2021-08-06. Review status: criteria provided, single submitter. Criteria: ACMG Guidelines, 2015. Collection method: clinical testing. Allele origin: germline.

Labcorp Genetics (formerly Invitae), Labcorp
Classification: Uncertain significance for Dilated cardiomyopathy 1G; Autosomal recessive limb-girdle muscular dystrophy type 2J. Last evaluated: 2017-10-02. Review status: criteria provided, single submitter. Criteria: Invitae Variant Classification Sherloc (09022015). Collection method: clinical testing. Allele origin: germline.

Eurofins Ntd Llc (ga)
Classification: Uncertain significance. Last evaluated: 2017-03-31. Review status: criteria provided, single submitter. Criteria: EGL Classification Definitions 2015. Collection method: clinical testing. Allele origin: germline. Observed: 1 variant allele, 1 heterozygote.

Literature cited by the submitters: PubMed 32039858 (cited by Mayo Clinic Laboratories, Mayo Clinic).

NM_001267550.2(TTN):c.44492G>A (p.Gly14831Glu)

Gene: TTN (titin; minus strand). Cytogenetic location: 2q31.2.
Variant type: single nucleotide variant.
Coding change: c.44492G>A on transcript NM_001267550.2 (MANE Select); coding-DNA position 44492, G replaced by A.
Protein change: p.Gly14831Glu; replaces glycine 14831 with glutamic acid.
Molecular consequence: missense variant.
Genome position (GRCh38, 1-based): chr2:178,625,329, C>T on the plus strand (G>A on the coding strand, the complement: TTN is on the minus strand). VCF-style: chr2-178625329-C-T. GRCh37 (hg19) VCF-style: chr2-179490056-C-T.
Other names: p.Gly13190Glu; c.39569G>A, p.Gly13190Glu (NM_001256850.1); c.17297G>A, p.Gly5766Glu (NM_003319.4); c.36788G>A, p.Gly12263Glu (NM_133378.4); c.17672G>A, p.Gly5891Glu (NM_133432.3); c.17873G>A, p.Gly5958Glu (NM_133437.4); short protein forms G12263E, G14831E, G13190E, G5766E, G5891E, G5958E.
Identifiers: ClinVar variation 501104 (VCV000501104.15), dbSNP rs751929345, ClinGen allele CA1995628.
Genomic context (GRCh38, chr2:178,625,329, plus strand): 5'-TTACCTTTCACAAAGAGGTTGGCGTGAGTTTTGAAATCTTTTGCTGTTAGTTGGACTTCC[C>T]CAGCATCTTCTAACTTTACATCCCTCAGAGTAAGTGTATGAACTTTTCCTTCTGAACGTG-3'
Protein context (NP_001254479.2, residues 14821-14841): TLRDVKLEDA[Gly14831Glu]EVQLTAKDFK